The following is an entry in ClinVar:

NM_006269.2(RP1):c.1136G>T (p.Gly379Val)

Gene: RP1 (RP1 axonemal microtubule associated; plus strand). Cytogenetic location: 8q12.1.
Variant type: single nucleotide variant.
Coding change: c.1136G>T on transcript NM_006269.2 (MANE Select); coding-DNA position 1136, G replaced by T.
Protein change: p.Gly379Val; replaces glycine 379 with valine.
Molecular consequence: missense variant. On other transcripts: intron variant (1).
Genome position (GRCh38, 1-based): chr8:54,625,018, G>T. VCF-style: chr8-54625018-G-T. GRCh37 (hg19) VCF-style: chr8-55537578-G-T.
Other names: c.787+2730G>T (NM_001375654.1); short protein forms G379V.
Identifiers: ClinVar variation 835268 (VCV000835268.12), dbSNP rs573551979, ClinGen allele CA4751327.

ClinVar aggregate classification (germline): Uncertain significance. Review status: criteria provided, multiple submitters, no conflicts (2 of 4 stars). 3 submissions from 3 submitters: Uncertain significance (3). Last evaluated 2026-02-04.

Conditions:
RP1-related disorder. Also called: RP1-related condition.

Allele frequency attached by ClinVar (database versions not stated): TOPMed 0.00004; gnomAD exomes 0.00006 and 0.00004; ExAC 0.00008; 1000 Genomes Project 0.00020; 1000 Genomes Project 30x 0.00031; gnomAD 0.00004.
gnomAD v4.1: 63 of 1,614,180 alleles (0.0039%); highest among the groups gnomAD compares: Admixed American, 0.012%; no homozygotes.

Submissions (3):

PreventionGenetics, part of Exact Sciences
Classification: Uncertain significance for RP1-related condition. Last evaluated: 2026-02-04. Review status: criteria provided, single submitter. Criteria: ACMG Guidelines, 2015. Collection method: clinical testing. Allele origin: germline.
Comment: The RP1 c.1136G>T variant is predicted to result in the amino acid substitution p.Gly379Val. To our knowledge, this variant has not been reported in the literature. This variant is reported in 0.019% of alleles in individuals of Ashkenazi Jewish descent in gnomAD. At this time, the clinical significance of this variant is uncertain due to the absence of conclusive functional and genetic evidence.

Labcorp Genetics (formerly Invitae), Labcorp
Classification: Uncertain significance. Last evaluated: 2025-08-06. Review status: criteria provided, single submitter. Criteria: Invitae Variant Classification Sherloc (09022015). Collection method: clinical testing. Allele origin: germline.
Comment: This sequence change replaces glycine, which is neutral and non-polar, with valine, which is neutral and non-polar, at codon 379 of the RP1 protein (p.Gly379Val). This variant is present in population databases (rs573551979, gnomAD 0.02%). This variant has not been reported in the literature in individuals affected with RP1-related conditions. ClinVar contains an entry for this variant (Variation ID: 835268). An algorithm developed to predict the effect of missense changes on protein structure and function (PolyPhen-2) suggests that this variant is likely to be disruptive. In summary, the available evidence is currently insufficient to determine the role of this variant in disease. Therefore, it has been classified as a Variant of Uncertain Significance.

Blueprint Genetics
Classification: Uncertain significance. Last evaluated: 2024-10-18. Review status: criteria provided, single submitter. Criteria: ACMG Guidelines, 2015. Collection method: clinical testing. Allele origin: germline.